The following is an entry in ClinVar:

NM_003716.4(CADPS):c.1438-10T>C

Gene: CADPS (calcium dependent secretion activator; minus strand). Cytogenetic location: 3p14.2.
Variant type: single nucleotide variant.
Coding change: c.1438-10T>C on transcript NM_003716.4 (MANE Select); 10 bases into the intron before coding-DNA position 1438, T replaced by C.
Molecular consequence: intron variant.
Genome position (GRCh38, 1-based): chr3:62,585,334, A>G on the plus strand (T>C on the coding strand, the complement: CADPS is on the minus strand). VCF-style: chr3-62585334-A-G. GRCh37 (hg19) VCF-style: chr3-62571009-A-G.
Other names: c.1438-10T>C (NM_183393.3, NM_183394.3).
Identifiers: ClinVar variation 3050248 (VCV003050248.2), dbSNP rs865829911, ClinGen allele CA75647053.
Genomic context (GRCh38, chr3:62,585,334, plus strand): 5'-TTTGTGCCACTCTGACTGTTTGGGGCTGTTCGGGGTGGGATGGAGAATAACCTGTAGGGG[A>G]AAAAGGACAAGCAACTAGAAAAGAGAAGCACCATTATGTTTTTATAGATTAGAAACTTTG-3'

ClinVar aggregate classification (germline): Likely benign (0 of 4 stars; one submission).

Conditions:
CADPS-related disorder. Also called: CADPS-related condition.

Allele frequency attached by ClinVar (database versions not stated): TOPMed below 0.00001; gnomAD 0.00001; gnomAD exomes 0.00004.
gnomAD v4.1: 66 of 1,588,860 alleles (0.0042%); highest among the groups gnomAD compares: Middle Eastern, 0.62%; no homozygotes.

Submission:

PreventionGenetics, part of Exact Sciences
Classification: Likely benign for CADPS-related condition. Last evaluated: 2019-04-16. Review status: no assertion criteria provided. Collection method: clinical testing. Allele origin: germline.
Comment: This variant is classified as likely benign based on ACMG/AMP sequence variant interpretation guidelines (Richards et al. 2015 PMID: 25741868, with internal and published modifications).